The following is an entry in ClinVar:

NM_001308093.3(GATA4):c.617-113T>C

Gene: GATA4 (GATA binding protein 4). Cytogenetic location: 8p23.1.
Variant type: single nucleotide variant.
Coding change: c.617-113T>C on transcript NM_001308093.3 (MANE Select); 113 bases into the intron before coding-DNA position 617, T replaced by C.
Molecular consequence: intron variant.
Genome position (GRCh38, 1-based): chr8:11,748,803, T>C. VCF-style: chr8-11748803-T-C. GRCh37 (hg19) VCF-style: chr8-11606312-T-C.
Other names: c.-5-113T>C (NM_001308094.2); c.617-116T>C (NM_002052.5); c.-2-116T>C (NM_001374274.1, NM_001374273.1).
Identifiers: ClinVar variation 433016 (VCV000433016.14), dbSNP rs3735819, ClinGen allele CA12713986.

ClinVar aggregate classification (germline): Benign/Likely benign. Review status: criteria provided, multiple submitters, no conflicts (2 of 4 stars). 11 submissions from 11 submitters: Benign (5); Likely benign (1). 5 of the submissions do not count toward it. Last evaluated 2025-07-30.

Conditions:
GATA4-related congenital heart disease with or without pancreatic hypoplasia or diabetes. Also called: Structural congenital heart disease, multiple types - GATA4. Identifiers: MedGen CN323671, MONDO:0100009.
Congenital heart disease (CHD). Identifiers: MedGen C0152021, MONDO:0005453. Disease mechanism: unknown.

Allele frequency attached by ClinVar (database versions not stated): gnomAD exomes 0.75592; gnomAD 0.80128 and 0.80499; TOPMed 0.80374; 1000 Genomes Project 30x 0.86493; 1000 Genomes Project 0.87161.
gnomAD v4.1: 972,346 of 1,276,656 alleles (76%); highest among the groups gnomAD compares: East Asian, 98%; 374,717 homozygotes.

Submissions (11):

Genomic Medicine Center of Excellence, King Faisal Specialist Hospital and Research Centre
Classification: Likely benign for Congenital heart disease. Last evaluated: 2025-07-30. Review status: criteria provided, single submitter. Criteria: ACMG Guidelines, 2015. Collection method: clinical testing. Allele origin: germline.

Laboratory of Genetics, Children's Clinical University Hospital Latvia
Classification: Benign. Last evaluated: 2025-02-16. Review status: criteria provided, single submitter. Criteria: ACMG Guidelines, 2015. Collection method: clinical testing. Allele origin: germline. Affected: yes.

Department of Pathology and Laboratory Medicine, Sinai Health System
Classification: Benign for structural congenital heart disease, multiple types - GATA4. Last evaluated: 2023-04-17. Review status: criteria provided, single submitter. Criteria: ACMG Guidelines, 2015. Collection method: research. Allele origin: germline.

H3Africa Consortium
Classification: Benign. Last evaluated: 2020-10-28. Review status: criteria provided, single submitter. Criteria: Choudhury A et al. (Nature 2020). Collection method: research. Allele origin: germline. Inheritance: Autosomal dominant inheritance. Study: H3Africa.
Comment: While the frequency of the alternate allele in gnoMAD v2.0.2 is 0.833, its frequency in African populations is >5%. This suggests that previous classifications of this variant as pathogenic are in error.

GeneDx
Classification: Benign. Last evaluated: 2018-09-04. Review status: criteria provided, single submitter. Criteria: GeneDx Variant Classification Process June 2021. Collection method: clinical testing. Allele origin: germline. Affected: yes.

Breakthrough Genomics
Classification: Benign. Review status: criteria provided, single submitter. Criteria: ACMG Guidelines, 2015. Collection method: not provided. Allele origin: germline. Inheritance: Autosomal dominant inheritance. Affected: yes.

Reproductive Health Research and Development, BGI Genomics
Classification: Benign for Congenital heart disease. Last evaluated: 2020-01-06. Review status: no assertion criteria provided. Collection method: curation. Allele origin: germline. Not counted in ClinVar's aggregate classification.
Comment: NG_008177.2(NM_002052.4):c.617-116T>C in the gene GATA4 has an allele frequency of 0.898 in African subpopulation in the gnomAD database. 128 homozygous occurrences are observed in the gnomAD database. This evidence suggests the variant to be classified as benign. ACMG/AMP criteria applied: BA1, BS2.

Central Research Laboratory, Sri Devaraj Urs Academy of Higher Education and Research
Classification: Pathogenic for Congenital heart disease. Last evaluated: 2017-01-07. Review status: no assertion criteria provided. Collection method: clinical testing. Allele origin: unknown. Affected: yes. Observed: 60 variant alleles. Not counted in ClinVar's aggregate classification.
Comment: This variant, NG_008177.2:g.76885T>C, leads to the formation of ISE SRp40 binding motif.

Genome Diagnostics Laboratory, Amsterdam University Medical Center
Classification: Benign. Review status: no assertion criteria provided. Collection method: clinical testing. Allele origin: germline. Affected: yes. Study: VKGL Data-share Consensus. Not counted in ClinVar's aggregate classification.

Genome Diagnostics Laboratory, University Medical Center Utrecht
Classification: Likely benign. Review status: no assertion criteria provided. Collection method: clinical testing. Allele origin: germline. Affected: yes. Study: VKGL Data-share Consensus. Not counted in ClinVar's aggregate classification.

Joint Genome Diagnostic Labs from Nijmegen and Maastricht, Radboudumc and MUMC+
Classification: Benign. Review status: no assertion criteria provided. Collection method: clinical testing. Allele origin: germline. Affected: yes. Study: VKGL Data-share Consensus. Not counted in ClinVar's aggregate classification.

Literature cited by the submitters: PubMed 27426723 (cited by Central Research Laboratory, Sri Devaraj Urs Academy of Higher Education and Research).